The following is an entry in ClinVar:

ClinVar aggregate classification (germline): Benign/Likely benign. Review status: criteria provided, multiple submitters, no conflicts (2 of 4 stars). 4 submissions from 4 submitters: Benign (1); Likely benign (3). Last evaluated 2026-01-28.

Conditions:
NHEJ1-related disorder. Also called: NHEJ1-related condition.
Cernunnos-XLF deficiency (IMD124). Also called: Severe combined immunodeficiency with sensitivity to ionizing radiation due to NHEJ1 deficiency; SCID, autosomal recessive, T cell-negative, B cell-negative, NK cell-positive, and sensitivity to ionizing radiation due to NHEJ1 deficiency; IMMUNODEFICIENCY 124, SEVERE COMBINED; SCID, AUTOSOMAL RECESSIVE, T CELL-NEGATIVE, B CELL-NEGATIVE, NK CELL-POSITIVE, WITH MICROCEPHALY, GROWTH RETARDATION, AND SENSITIVITY TO IONIZING RADIATION; NHEJ1 SYNDROME. Identifiers: Orphanet 169079, MedGen C1969799, MONDO:0012650, OMIM 611291.

Allele frequency attached by ClinVar (database versions not stated): gnomAD exomes 0.00014 and 0.00045; ExAC 0.00049; gnomAD 0.00192 and 0.00196; ESP Exome Variant Server 0.00208; TOPMed 0.00238; 1000 Genomes Project 30x 0.00250; 1000 Genomes Project 0.00280.
gnomAD v4.1: 518 of 1,614,174 alleles (0.032%); highest among the groups gnomAD compares: African/African-American, 0.56%; 2 homozygotes.

Submissions (4):

Labcorp Genetics (formerly Invitae), Labcorp
Classification: Benign for Cernunnos-XLF deficiency. Last evaluated: 2026-01-28. Review status: criteria provided, single submitter. Criteria: Invitae Variant Classification Sherloc (09022015). Collection method: clinical testing. Allele origin: germline.

PreventionGenetics, part of Exact Sciences
Classification: Likely benign for NHEJ1-related condition. Last evaluated: 2024-11-13. Review status: criteria provided, single submitter. Criteria: ACMG Guidelines, 2015. Collection method: clinical testing. Allele origin: germline.
Comment: This variant is classified as likely benign based on ACMG/AMP sequence variant interpretation guidelines (Richards et al. 2015 PMID: 25741868, with internal and published modifications).

Blueprint Genetics
Classification: Likely benign. Last evaluated: 2024-09-12. Review status: criteria provided, single submitter. Criteria: ACMG Guidelines, 2015. Collection method: clinical testing. Allele origin: germline.

CeGaT Center for Human Genetics Tuebingen
Classification: Likely benign. Last evaluated: 2022-09-01. Review status: criteria provided, single submitter. Criteria: CeGaT Center For Human Genetics Tuebingen Variant Classification Criteria Version 2. Collection method: clinical testing. Allele origin: germline. Affected: yes. Observed: 1 variant allele.
Comment: NHEJ1: BP4, BP7

NM_024782.3(NHEJ1):c.451A>C (p.Arg151=)

Gene: NHEJ1 (non-homologous end joining factor 1; minus strand). Cytogenetic location: 2q35.
Variant type: single nucleotide variant.
Coding change: c.451A>C on transcript NM_024782.3 (MANE Select); coding-DNA position 451, A replaced by C.
Protein change: p.Arg151=; no amino-acid change (arginine 151 retained).
Molecular consequence: synonymous variant. On other transcripts: non-coding transcript variant (1).
Genome position (GRCh38, 1-based): chr2:219,147,735, T>G on the plus strand (A>C on the coding strand, the complement: NHEJ1 is on the minus strand). VCF-style: chr2-219147735-T-G. GRCh37 (hg19) VCF-style: chr2-220012457-T-G.
Other names: c.451A>C, p.Arg151= (NM_001377498.1, NM_001377499.1).
Identifiers: ClinVar variation 468860 (VCV000468860.43), dbSNP rs141996352, ClinGen allele CA2116982.
Genomic context (GRCh38, chr2:219,147,735, plus strand): 5'-CACTCTCCTGGTAGTCTTGGATCTCTAGGTCTTTCATATGAAGTAACGTTGCTAGCTCCC[T>G]CACTTGGCACTGTAATGCCAGACTCATGCCCATCAGAGGACGAATCAAATGTTGGGAGAC-3'
Protein context (NP_079058.1, residues 141-161): GMSLALQCQV[Arg151=]ELATLLHMKD